The following is an entry in ClinVar:

NM_001378743.1(CYLD):c.1763T>C (p.Ile588Thr)

Gene: CYLD (CYLD lysine 63 deubiquitinase; plus strand). Cytogenetic location: 16q12.1.
Variant type: single nucleotide variant.
Coding change: c.1763T>C on transcript NM_001378743.1 (MANE Select); coding-DNA position 1763, T replaced by C.
Protein change: p.Ile588Thr; replaces isoleucine 588 with threonine.
Molecular consequence: missense variant. On other transcripts: non-coding transcript variant (1).
Genome position (GRCh38, 1-based): chr16:50,782,403, T>C. VCF-style: chr16-50782403-T-C. GRCh37 (hg19) VCF-style: chr16-50816314-T-C.
Other names: c.1754T>C, p.Ile585Thr (NM_001042355.2, NM_001042412.3, NM_001378744.1 and 6 more transcripts); c.1724T>C, p.Ile575Thr (NM_001378751.1, NM_001378752.1, NM_001378753.1); c.1088T>C, p.Ile363Thr (NM_001378754.1, NM_001378755.1); c.1763T>C, p.Ile588Thr (NM_015247.3); short protein forms I363T, I575T, I585T, I588T.
Identifiers: ClinVar variation 2681049 (VCV002681049.3), dbSNP rs753846644, ClinGen allele CA8052453.

ClinVar aggregate classification (germline): Uncertain significance. Review status: criteria provided, multiple submitters, no conflicts (2 of 4 stars). 2 submissions from 2 submitters: Uncertain significance (2). Last evaluated 2024-03-16.

Conditions:
Frontotemporal dementia and/or amyotrophic lateral sclerosis 8. Identifiers: MedGen C5436881, MONDO:0030872, OMIM 619132.

Allele frequency attached by ClinVar (database versions not stated): gnomAD exomes below 0.00001; ExAC 0.00001; TOPMed 0.00001.
gnomAD v4.1: 2 of 1,613,900 alleles (0.00012%); highest among the groups gnomAD compares: Admixed American, 0.0017%; no homozygotes.

Submissions (2):

Labcorp Genetics (formerly Invitae), Labcorp
Classification: Uncertain significance. Last evaluated: 2024-03-16. Review status: criteria provided, single submitter. Criteria: Invitae Variant Classification Sherloc (09022015). Collection method: clinical testing. Allele origin: germline.
Comment: This sequence change replaces isoleucine, which is neutral and non-polar, with threonine, which is neutral and polar, at codon 588 of the CYLD protein (p.Ile588Thr). This variant is present in population databases (rs753846644, gnomAD 0.003%). This variant has not been reported in the literature in individuals affected with CYLD-related conditions. Advanced modeling of protein sequence and biophysical properties (such as structural, functional, and spatial information, amino acid conservation, physicochemical variation, residue mobility, and thermodynamic stability) performed at Invitae indicates that this missense variant is not expected to disrupt CYLD protein function with a negative predictive value of 80%. In summary, the available evidence is currently insufficient to determine the role of this variant in disease. Therefore, it has been classified as a Variant of Uncertain Significance.

Baylor Genetics
Classification: Uncertain significance for Frontotemporal dementia and/or amyotrophic lateral sclerosis 8. Last evaluated: 2023-10-02. Review status: criteria provided, single submitter. Criteria: ACMG Guidelines, 2015. Collection method: clinical testing. Allele origin: unknown.